The following is an entry in ClinVar:

ClinVar aggregate classification (germline): Uncertain significance (1 of 4 stars; one submission).

Conditions:
Combined immunodeficiency due to DOCK8 deficiency (HIES2). Also called: Hyper-IgE recurrent infection syndrome, autosomal recessive; HIES autosomal recessive; DOCK8 Deficiency; HYPER-IgE RECURRENT INFECTION SYNDROME 2, AUTOSOMAL RECESSIVE; HYPER-IgE SYNDROME 2, AUTOSOMAL RECESSIVE, WITH RECURRENT INFECTIONS. Identifiers: Orphanet 217390, MedGen C4722305, MONDO:0009478, OMIM 243700.

gnomAD v4.1: 2 of 1,614,040 alleles (0.00012%); highest among the groups gnomAD compares: Non-Finnish European, 0.00017%; no homozygotes.

Submission:

Labcorp Genetics (formerly Invitae), Labcorp
Classification: Uncertain significance for Combined immunodeficiency due to DOCK8 deficiency. Last evaluated: 2022-03-15. Review status: criteria provided, single submitter. Criteria: Invitae Variant Classification Sherloc (09022015). Collection method: clinical testing. Allele origin: germline.
Comment: In summary, the available evidence is currently insufficient to determine the role of this variant in disease. Therefore, it has been classified as a Variant of Uncertain Significance. Algorithms developed to predict the effect of missense changes on protein structure and function (SIFT, PolyPhen-2, Align-GVGD) all suggest that this variant is likely to be disruptive. This variant has not been reported in the literature in individuals affected with DOCK8-related conditions. This variant is not present in population databases (gnomAD no frequency). This sequence change replaces arginine, which is basic and polar, with leucine, which is neutral and non-polar, at codon 1294 of the DOCK8 protein (p.Arg1294Leu).

NM_203447.4(DOCK8):c.3881G>T (p.Arg1294Leu)

Gene: DOCK8 (dedicator of cytokinesis 8; plus strand). Cytogenetic location: 9p24.3.
Variant type: single nucleotide variant.
Coding change: c.3881G>T on transcript NM_203447.4 (MANE Select); coding-DNA position 3881, G replaced by T.
Protein change: p.Arg1294Leu; replaces arginine 1294 with leucine.
Molecular consequence: missense variant.
Genome position (GRCh38, 1-based): chr9:420,441, G>T. VCF-style: chr9-420441-G-T. GRCh37 (hg19) VCF-style: chr9-420441-G-T.
Other names: c.3581G>T, p.Arg1194Leu (NM_001190458.2); c.3677G>T, p.Arg1226Leu (NM_001193536.2); short protein forms R1294L, R1194L, R1226L.
Identifiers: ClinVar variation 1931900 (VCV001931900.5), dbSNP rs759725406, ClinGen allele CA372763719.